The following is an entry in ClinVar:

NM_000138.5(FBN1):c.3589+1del

Gene: FBN1 (fibrillin 1; minus strand). Cytogenetic location: 15q21.1.
Variant type: Deletion.
Coding change: c.3589+1del on transcript NM_000138.5 (MANE Select); the canonical splice donor site of the intron after coding-DNA position 3589, one base deleted (G; older notation c.3589+1delG).
Molecular consequence: splice donor variant.
Genome position (GRCh38, 1-based): chr15:48,487,074, C deleted on the plus strand (G on the coding strand, the reverse complement: FBN1 is on the minus strand); the first of 2 consecutive C bases (chr15:48,487,074-48,487,075); deleting either gives the same sequence. VCF-style (leftmost placement, unchanged base first): chr15-48487073-AC-A. GRCh37 (hg19) VCF-style: chr15-48779270-AC-A.
Other names: c.3589+1del (NM_001406716.1).
Identifiers: ClinVar variation 2000031 (VCV002000031.4), dbSNP rs2043513684, ClinGen allele CA2175513963.

ClinVar aggregate classification (germline): Likely pathogenic (1 of 4 stars; one submission).

Conditions:
Familial thoracic aortic aneurysm and aortic dissection (TAAD). Also called: Thoracic aortic aneurysms and dissections. Identifiers: Orphanet 91387, MedGen C4707243, MONDO:0019625.
Marfan syndrome (MFS). Also called: MARFAN SYNDROME, TYPE I; Marfan syndrome type 1; Marfan's syndrome; Marfan syndrome, classic; FBN1-Related Marfan Syndrome. Identifiers: Orphanet 284963, Orphanet 558, MedGen C0024796, MONDO:0007947, OMIM 154700.

Submission:

Labcorp Genetics (formerly Invitae), Labcorp
Classification: Likely pathogenic for Marfan syndrome; Familial thoracic aortic aneurysm and aortic dissection. Last evaluated: 2022-05-28. Review status: criteria provided, single submitter. Criteria: Invitae Variant Classification Sherloc (09022015). Collection method: clinical testing. Allele origin: germline.
Comment: In summary, the currently available evidence indicates that the variant is pathogenic, but additional data are needed to prove that conclusively. Therefore, this variant has been classified as Likely Pathogenic. Algorithms developed to predict the effect of sequence changes on RNA splicing suggest that this variant may disrupt the consensus splice site. This variant has not been reported in the literature in individuals affected with FBN1-related conditions. This variant is not present in population databases (gnomAD no frequency). This sequence change affects a splice site in intron 29 of the FBN1 gene. It is expected to disrupt RNA splicing. Variants that disrupt the donor or acceptor splice site typically lead to a loss of protein function (PMID: 16199547), and loss-of-function variants in FBN1 are known to be pathogenic (PMID: 17657824, 19293843).

Literature cited by the submitters: PubMed 16199547; PubMed 17657824; PubMed 19293843.